The following is an entry in ClinVar:

NM_001130438.3(SPTAN1):c.5395C>T (p.Arg1799Trp)

Gene: SPTAN1 (spectrin alpha, non-erythrocytic 1; plus strand). Cytogenetic location: 9q34.11.
Variant type: single nucleotide variant.
Coding change: c.5395C>T on transcript NM_001130438.3 (MANE Select); coding-DNA position 5395, C replaced by T.
Protein change: p.Arg1799Trp; replaces arginine 1799 with tryptophan.
Molecular consequence: missense variant.
Genome position (GRCh38, 1-based): chr9:128,617,677, C>T. VCF-style: chr9-128617677-C-T. GRCh37 (hg19) VCF-style: chr9-131379956-C-T.
Other names: c.5320C>T, p.Arg1774Trp (NM_001195532.2); c.5395C>T, p.Arg1799Trp (NM_001363759.2, NM_001375310.1, NM_001375311.2 and 1 more transcripts); c.5335C>T, p.Arg1779Trp (NM_001363765.2, NM_001375314.2); c.5431C>T, p.Arg1811Trp (NM_001375312.2, NM_001375318.1); c.5380C>T, p.Arg1794Trp (NM_003127.4); short protein forms R1774W, R1779W, R1794W, R1799W, R1811W.
Identifiers: ClinVar variation 3368359 (VCV003368359.1).

ClinVar aggregate classification (germline): Uncertain significance (1 of 4 stars; one submission).

Submission:

GeneDx
Classification: Uncertain significance. Last evaluated: 2024-01-31. Review status: criteria provided, single submitter. Criteria: GeneDx Variant Classification Process June 2021. Collection method: clinical testing. Allele origin: germline. Affected: yes.
Comment: Not observed at significant frequency in large population cohorts (gnomAD); In silico analysis supports that this missense variant has a deleterious effect on protein structure/function; Has not been previously published as pathogenic or benign to our knowledge